The following is an entry in ClinVar:

ClinVar aggregate classification (germline): Likely benign (1 of 4 stars; one submission).

Conditions:
Familial cancer of breast. Also called: BREAST CANCER, FAMILIAL; Hereditary breast cancer; hereditary breast carcinoma. Identifiers: Orphanet 227535, MedGen C0346153, MONDO:0016419, OMIM 114480. Disease mechanism: loss of function.

Submission:

Myriad Genetics, Inc.
Classification: Likely benign for Familial cancer of breast. Last evaluated: 2024-05-02. Review status: criteria provided, single submitter. Criteria: Myriad Autosomal Dominant, Autosomal Recessive and X-Linked Classification Criteria (2023). Collection method: clinical testing. Allele origin: unknown.
Comment: This variant is considered likely benign. This variant is intronic and is not expected to impact mRNA splicing.

NM_000051.4(ATM):c.1899-9T>C

Gene: ATM (ATM serine/threonine kinase; plus strand). Cytogenetic location: 11q22.3.
Variant type: single nucleotide variant.
Coding change: c.1899-9T>C on transcript NM_000051.4 (MANE Select); 9 bases into the intron before coding-DNA position 1899, T replaced by C.
Molecular consequence: intron variant.
Genome position (GRCh38, 1-based): chr11:108,253,805, T>C. VCF-style: chr11-108253805-T-C. GRCh37 (hg19) VCF-style: chr11-108124532-T-C.
Other names: c.1899-9T>C (NM_001351834.2).
Identifiers: ClinVar variation 3253855 (VCV003253855.1), dbSNP rs1591533635.